The following is an entry in ClinVar:

NM_001100913.3(PACS2):c.658C>A (p.Gln220Lys)

Gene: PACS2 (phosphofurin acidic cluster sorting protein 2; plus strand). Cytogenetic location: 14q32.33.
Variant type: single nucleotide variant.
Coding change: c.658C>A on transcript NM_001100913.3 (MANE Select); coding-DNA position 658, C replaced by A.
Protein change: p.Gln220Lys; replaces glutamine 220 with lysine.
Molecular consequence: missense variant.
Genome position (GRCh38, 1-based): chr14:105,368,145, C>A. VCF-style: chr14-105368145-C-A. GRCh37 (hg19) VCF-style: chr14-105834482-C-A.
Other names: c.457C>A, p.Gln153Lys (NM_001243127.3); c.658C>A, p.Gln220Lys (NM_015197.4); short protein forms Q220K, Q153K.
Identifiers: ClinVar variation 1351741 (VCV001351741.8), dbSNP rs2141148023, ClinGen allele CA391174730.

ClinVar aggregate classification (germline): Uncertain significance (1 of 4 stars; one submission).

Submission:

Labcorp Genetics (formerly Invitae), Labcorp
Classification: Uncertain significance. Last evaluated: 2024-02-19. Review status: criteria provided, single submitter. Criteria: Invitae Variant Classification Sherloc (09022015). Collection method: clinical testing. Allele origin: germline.
Comment: This sequence change replaces glutamine, which is neutral and polar, with lysine, which is basic and polar, at codon 220 of the PACS2 protein (p.Gln220Lys). This variant is not present in population databases (gnomAD no frequency). This variant has not been reported in the literature in individuals affected with PACS2-related conditions. ClinVar contains an entry for this variant (Variation ID: 1351741). An algorithm developed to predict the effect of missense changes on protein structure and function (PolyPhen-2) suggests that this variant is likely to be disruptive. In summary, the available evidence is currently insufficient to determine the role of this variant in disease. Therefore, it has been classified as a Variant of Uncertain Significance.